The following is an entry in ClinVar:

NM_005996.4(TBX3):c.1838_1840del (p.Thr613del)

Gene: TBX3 (T-box transcription factor 3; minus strand). Cytogenetic location: 12q24.21.
Variant type: Deletion.
Coding change: c.1838_1840del on transcript NM_005996.4 (MANE Select); coding-DNA positions 1838 to 1840, 3 bases deleted (CCA; older notation c.1838_1840delCCA).
Protein change: p.Thr613del; deletes threonine 613.
Molecular consequence: inframe deletion.
Genome position (GRCh38, 1-based): chr12:114,672,173-114,672,175, TGG deleted on the plus strand (CCA on the coding strand, the reverse complement: TBX3 is on the minus strand); deleting any 3 consecutive bases within chr12:114,672,173-114,672,177 gives the same sequence; the c. name uses the placement nearest the transcript's 3' end. VCF-style (leftmost placement, unchanged base first): chr12-114672172-ATGG-A. GRCh37 (hg19) VCF-style: chr12-115109977-ATGG-A.
Other names: c.1898_1900del, p.Thr633del (NM_016569.4); short protein forms T613del, T633del.
Identifiers: ClinVar variation 3344142 (VCV003344142.1).

ClinVar aggregate classification (germline): Uncertain significance (0 of 4 stars; one submission).

Conditions:
TBX3-related disorder. Also called: TBX3-related condition.

Submission:

PreventionGenetics, part of Exact Sciences
Classification: Uncertain significance for TBX3-related condition. Last evaluated: 2024-06-19. Review status: no assertion criteria provided. Collection method: clinical testing. Allele origin: germline.
Comment: The TBX3 c.1898_1900delCCA variant is predicted to result in an in-frame deletion (p.Thr633del). To our knowledge, this variant has not been reported in the literature or in a large population database, indicating this variant is rare. At this time, the clinical significance of this variant is uncertain due to the absence of conclusive functional and genetic evidence.